The following is an entry in ClinVar:

NM_001955.5(EDN1):c.501AAG[1] (p.Arg168del)

Gene: EDN1 (endothelin 1; plus strand). Cytogenetic location: 6p24.1.
Variant type: Microsatellite.
Coding change: c.501AAG[1] on transcript NM_001955.5 (MANE Select); one copy of the 3-base unit AAG starting at c.501; the reference has two copies in a row; one copy, 3 bases deleted.
Protein change: p.Arg168del; deletes arginine 168.
Molecular consequence: inframe deletion.
Genome position (GRCh38, 1-based): chr6:12,294,375-12,294,377, AAG deleted; deleting any 3 consecutive bases within chr6:12,294,370-12,294,377 gives the same sequence; the position shown is the placement nearest the transcript's 3' end. VCF-style (leftmost placement, unchanged base first): chr6-12294369-CAGA-C. GRCh37 (hg19) VCF-style: chr6-12294602-CAGA-C.
Other names: c.504_506delAAG (NM_001955.4); c.498AAG[1], p.Arg167del (NM_001168319.2); c.501AAG[1], p.Arg168del (NM_001416563.1, NM_001416564.1, NM_001416565.1); short protein forms R168del, R167del.
Identifiers: ClinVar variation 3892140 (VCV003892140.2).
Genomic context (GRCh38, chr6:12,294,369, plus strand): 5'-AGACTGTTCCAAGCTTGGGAAAAAGTGTATTTATCAGCAGTTAGTGAGAGGAAGAAAAAT[CAGA>C]AGAAGTTCAGAGGAACACCTAAGACAAACCAGGTAAGAGGGAAGGAAGAAAAATTAGGTA-3'

ClinVar aggregate classification (germline): Conflicting classifications of pathogenicity. Review status: criteria provided, conflicting classifications (1 of 4 stars). 2 submissions from 2 submitters: Uncertain significance (1); Likely benign (1). Last evaluated 2026-05-11.

Conditions:
EDN1-related disorder. Also called: EDN1-related condition.
Auriculocondylar syndrome 3 (ARCND3). Identifiers: Orphanet 137888, MedGen C3810332, MONDO:0014312, OMIM 615706.
Question mark ears, isolated (QME). Also called: EARS, PROMINENT AND CONSTRICTED. Identifiers: Orphanet 137888, MedGen C2748545, MONDO:0013013, OMIM 612798.

Submissions (2):

PreventionGenetics, part of Exact Sciences
Classification: Likely benign for EDN1-related condition. Last evaluated: 2026-05-11. Review status: criteria provided, single submitter. Criteria: ACMG Guidelines, 2015. Collection method: clinical testing. Allele origin: germline.
Comment: This variant is classified as likely benign based on ACMG/AMP sequence variant interpretation guidelines (Richards et al. 2015 PMID: 25741868, with internal and published modifications).

Department of Pathology and Laboratory Medicine, Sinai Health System
Classification: Uncertain significance for Question mark ears, isolated; Auriculocondylar syndrome 3. Last evaluated: 2021-12-01. Review status: criteria provided, single submitter. Criteria: ACMG Guidelines, 2015. Collection method: research. Allele origin: germline.